The following is an entry in ClinVar:

NM_006914.4(RORB):c.1309A>G (p.Ile437Val)

Genes: RORB (RAR related orphan receptor B; plus strand), LOC124310566 (Sharpr-MPRA regulatory region 9792; plus strand). Cytogenetic location: 9q21.13.
Variant type: single nucleotide variant.
Coding change: c.1309A>G on transcript NM_006914.4 (MANE Select); coding-DNA position 1309, A replaced by G.
Protein change: p.Ile437Val; replaces isoleucine 437 with valine.
Molecular consequence: missense variant.
Genome position (GRCh38, 1-based): chr9:74,685,547, A>G. VCF-style: chr9-74685547-A-G. GRCh37 (hg19) VCF-style: chr9-77300463-A-G.
Other names: c.1342A>G, p.Ile448Val (NM_001365023.1); c.1309A>G (NM_006914.3); short protein forms I448V, I437V.
Identifiers: ClinVar variation 3022571 (VCV003022571.4), dbSNP rs143063509, ClinGen allele CA5083595.
Genomic context (GRCh38, chr9:74,685,547, plus strand): 5'-ACGGCAGTTTGCAACTTGCACGGGGAGAAGCTGCAGGTATTTAAGCAATCTCATCCAGAG[A>G]TAGTGAATACACTGTTTCCTCCGTTATACAAGGAGCTCTTTAATCCTGACTGTGCCACCG-3'
Protein context (NP_008845.2, residues 427-447): LQVFKQSHPE[Ile437Val]VNTLFPPLYK

ClinVar aggregate classification (germline): Conflicting classifications of pathogenicity. Review status: criteria provided, conflicting classifications (1 of 4 stars). 2 submissions from 2 submitters: Uncertain significance (1); Likely benign (1). Last evaluated 2025-05-18.

Conditions:
Inborn genetic diseases. Identifiers: MedGen C0950123, MeSH D030342.

Allele frequency attached by ClinVar (database versions not stated): TOPMed 0.00001; ExAC 0.00002; gnomAD 0.00002; ESP Exome Variant Server 0.00008.
gnomAD v4.1: 28 of 1,613,348 alleles (0.0017%); highest among the groups gnomAD compares: African/African-American, 0.0027%; no homozygotes.

Submissions (2):

Ambry Genetics
Classification: Likely benign for Inborn genetic diseases. Last evaluated: 2025-05-18. Review status: criteria provided, single submitter. Criteria: Ambry Variant Classification Scheme 2023. Collection method: clinical testing. Allele origin: germline.

Labcorp Genetics (formerly Invitae), Labcorp
Classification: Uncertain significance. Last evaluated: 2024-10-09. Review status: criteria provided, single submitter. Criteria: Invitae Variant Classification Sherloc (09022015). Collection method: clinical testing. Allele origin: germline.
Comment: This sequence change replaces isoleucine, which is neutral and non-polar, with valine, which is neutral and non-polar, at codon 437 of the RORB protein (p.Ile437Val). This variant is present in population databases (rs143063509, gnomAD 0.008%). This variant has not been reported in the literature in individuals affected with RORB-related conditions. An algorithm developed to predict the effect of missense changes on protein structure and function (PolyPhen-2) suggests that this variant is likely to be tolerated. In summary, the available evidence is currently insufficient to determine the role of this variant in disease. Therefore, it has been classified as a Variant of Uncertain Significance.